The following is an entry in ClinVar:

ClinVar aggregate classification (germline): Conflicting classifications of pathogenicity. Review status: criteria provided, conflicting classifications (1 of 4 stars). 6 submissions from 6 submitters: Uncertain significance (4); Likely benign (2). Last evaluated 2026-07-29.

Conditions:
TTN-related disorder. Also called: TTN-related condition; TTN-related disease; TTN-related disorders.
Cardiomyopathy (CMYO). Also called: Cardiomyopathies. Identifiers: Orphanet 167848, MedGen C0878544, MONDO:0004994, HP:0001638. Inheritance: Various modes of inheritance.

Allele frequency attached by ClinVar (database versions not stated): gnomAD 0.00003 and 0.00004; TOPMed 0.00003; gnomAD exomes 0.00005 and 0.00006; ExAC 0.00007; ESP Exome Variant Server 0.00008.
gnomAD v4.1: 96 of 1,613,524 alleles (0.0059%); highest among the groups gnomAD compares: Middle Eastern, 0.016%; no homozygotes.

Submissions (6):

PreventionGenetics, part of Exact Sciences
Classification: Uncertain significance for TTN-related condition. Last evaluated: 2026-07-29. Review status: criteria provided, single submitter. Criteria: ACMG Guidelines, 2015. Collection method: clinical testing. Allele origin: germline.
Comment: The TTN c.23308G>A variant is predicted to result in the amino acid substitution p.Gly7770Arg. This variant has been reported as a variant of uncertain significance in a cohort study of hypertrophic cardiomyopathy (Table S14, Thomson et al. 2019. PubMed ID: 30531895). This variant is reported in 0.010% of alleles in individuals of East Asian descent in gnomAD. At this time, the clinical significance of this variant is uncertain due to the absence of conclusive functional and genetic evidence.

Blueprint Genetics
Classification: Likely benign. Last evaluated: 2023-12-12. Review status: criteria provided, single submitter. Criteria: ACMG Guidelines, 2015. Collection method: clinical testing. Allele origin: germline.

Revvity Omics, Revvity
Classification: Uncertain significance. Last evaluated: 2023-06-08. Review status: criteria provided, single submitter. Criteria: ACMG Guidelines, 2015. Collection method: clinical testing. Allele origin: germline.

GeneDx
Classification: Likely benign. Last evaluated: 2019-12-12. Review status: criteria provided, single submitter. Criteria: GeneDx Variant Classification Process June 2021. Collection method: clinical testing. Allele origin: germline. Affected: yes.

Mayo Clinic Laboratories, Mayo Clinic
Classification: Uncertain significance. Last evaluated: 2019-09-23. Review status: criteria provided, single submitter. Criteria: ACMG Guidelines, 2015. Collection method: clinical testing. Allele origin: germline. Observed: 1 variant allele.

CHEO Genetics Diagnostic Laboratory, Children's Hospital of Eastern Ontario
Classification: Uncertain significance for Cardiomyopathy. Last evaluated: 2017-11-29. Review status: criteria provided, single submitter. Criteria: ACMG Guidelines, 2015. Collection method: clinical testing. Allele origin: germline.

NM_001267550.2(TTN):c.23308G>A (p.Gly7770Arg)

Gene: TTN (titin; minus strand). Cytogenetic location: 2q31.2.
Variant type: single nucleotide variant.
Coding change: c.23308G>A on transcript NM_001267550.2 (MANE Select); coding-DNA position 23308, G replaced by A.
Protein change: p.Gly7770Arg; replaces glycine 7770 with arginine.
Molecular consequence: missense variant. On other transcripts: intron variant (3).
Genome position (GRCh38, 1-based): chr2:178,720,454, C>T on the plus strand (G>A on the coding strand, the complement: TTN is on the minus strand). VCF-style: chr2-178720454-C-T. GRCh37 (hg19) VCF-style: chr2-179585181-C-T.
Other names: c.22357G>A, p.Gly7453Arg (NM_001256850.1); c.19576G>A, p.Gly6526Arg (NM_133378.4); c.13282+17628G>A (NM_003319.4); c.13858+17628G>A (NM_133437.4); c.13657+17628G>A (NM_133432.3); short protein forms G6526R, G7453R, G7770R.
Identifiers: ClinVar variation 915748 (VCV000915748.14), dbSNP rs374739582, ClinGen allele CA2000663.